The following is an entry in ClinVar:

NM_006514.4(SCN10A):c.389+14G>T

Gene: SCN10A (sodium voltage-gated channel alpha subunit 10; minus strand). Cytogenetic location: 3p22.2.
Variant type: single nucleotide variant.
Coding change: c.389+14G>T on transcript NM_006514.4 (MANE Select); 14 bases into the intron after coding-DNA position 389, G replaced by T.
Molecular consequence: intron variant.
Genome position (GRCh38, 1-based): chr3:38,792,036, C>A on the plus strand (G>T on the coding strand, the complement: SCN10A is on the minus strand). VCF-style: chr3-38792036-C-A. GRCh37 (hg19) VCF-style: chr3-38833527-C-A.
Other names: c.389+14G>T (NM_001293307.2, NM_001293306.2).
Identifiers: ClinVar variation 4536045 (VCV004536045.1).

ClinVar aggregate classification (germline): Likely benign (1 of 4 stars; one submission).

gnomAD v4.1: 2 of 1,612,458 alleles (0.00012%); highest among the groups gnomAD compares: Non-Finnish European, 0.00017%; no homozygotes.

Submission:

Women's Health and Genetics/Laboratory Corporation of America, LabCorp
Classification: Likely benign. Last evaluated: 2025-09-30. Review status: criteria provided, single submitter. Criteria: LabCorp Variant Classification Summary - May 2015. Collection method: clinical testing. Allele origin: germline.
Comment: Variant summary: SCN10A c.389+14G>T alters a nucleotide located at a position not widely known to affect splicing. Consensus agreement among computation tools predict no significant impact on normal splicing. However, these predictions have yet to be confirmed by functional studies. The variant allele was found at a frequency of 4e-06 in 249556 control chromosomes. The available data on variant occurrences in the general population are insufficient to allow any conclusion about variant significance. To our knowledge, no occurrence of c.389+14G>T in individuals affected with SCN10A-related conditions and no experimental evidence demonstrating its impact on protein function have been reported. No submitters have cited clinical-significance assessments for this variant to ClinVar. Based on the evidence outlined above, the variant was classified as likely benign.